The following is an entry in ClinVar:

ClinVar aggregate classification (germline): Uncertain significance (1 of 4 stars; one submission).

Submission:

Labcorp Genetics (formerly Invitae), Labcorp
Classification: Uncertain significance. Last evaluated: 2022-07-09. Review status: criteria provided, single submitter. Criteria: Invitae Variant Classification Sherloc (09022015). Collection method: clinical testing. Allele origin: germline.
Comment: In summary, the available evidence is currently insufficient to determine the role of this variant in disease. Therefore, it has been classified as a Variant of Uncertain Significance. This sequence change replaces glutamine, which is neutral and polar, with leucine, which is neutral and non-polar, at codon 657 of the DSG4 protein (p.Gln657Leu). This variant is present in population databases (no rsID available, gnomAD 0.2%). This variant has not been reported in the literature in individuals affected with DSG4-related conditions. Algorithms developed to predict the effect of missense changes on protein structure and function are either unavailable or do not agree on the potential impact of this missense change (SIFT: "Not Available"; PolyPhen-2: "Benign"; Align-GVGD: "Not Available").

NM_177986.5(DSG4):c.1970_1971delinsTT (p.Gln657Leu)

Genes: DSG1-AS1 (DSG1 antisense RNA 1; minus strand), DSG4 (desmoglein 4; plus strand). Cytogenetic location: 18q12.1.
Variant type: Indel.
Coding change: c.1970_1971delinsTT on transcript NM_177986.5 (MANE Select); coding-DNA positions 1970 to 1971, AG replaced by TT.
Protein change: p.Gln657Leu; replaces glutamine 657 with leucine.
Molecular consequence: missense variant.
Genome position (GRCh38, 1-based): chr18:31,409,488-31,409,489, AG replaced by TT. VCF-style: chr18-31409488-AG-TT. GRCh37 (hg19) VCF-style: chr18-28989451-AG-TT.
Other names: c.1970_1971delinsTT, p.Gln657Leu (NM_001134453.3); short protein forms Q657L.
Identifiers: ClinVar variation 1971560 (VCV001971560.5), dbSNP rs2510873352, ClinGen allele CA2580095576.
Genomic context (GRCh38, chr18:31,409,488, plus strand): 5'-CGACATTGTCACTTTCTTGGGCAGTGGCTCCACTCTTGCTGCTCCTGTGTTGCTGCAAAC[AG>TT]AGACAGCCAGAAGGCCTGGGAACAAGATTTGCTCCTGTGCCTGAGGGCGGAGAAGGAGTG-3'
Protein context (NP_817123.1, residues 647-667): PLLLLLCCCK[Gln657Leu]RQPEGLGTRF